The following is an entry in ClinVar:

NM_001613.4(ACTA2):c.454+3A>G

Gene: ACTA2 (actin alpha 2, smooth muscle; minus strand). Cytogenetic location: 10q23.31.
Variant type: single nucleotide variant.
Coding change: c.454+3A>G on transcript NM_001613.4 (MANE Select); 3 bases into the intron after coding-DNA position 454, A replaced by G.
Molecular consequence: intron variant.
Genome position (GRCh38, 1-based): chr10:88,941,782, T>C on the plus strand (A>G on the coding strand, the complement: ACTA2 is on the minus strand). VCF-style: chr10-88941782-T-C. GRCh37 (hg19) VCF-style: chr10-90701539-T-C.
Other names: c.325+3A>G (NM_001406467.1, NM_001406468.1, NM_001406469.1); c.454+3A>G (NM_001320855.2, NM_001406462.1, NM_001406471.1 and 3 more transcripts); c.343+3A>G (NM_001406466.1).
Identifiers: ClinVar variation 2746137 (VCV002746137.3), dbSNP rs2494542189, ClinGen allele CA2573050555.
Genomic context (GRCh38, chr10:88,941,782, plus strand): 5'-ACCATTCAATCCCATCTCTGGCAGTGCGCTCCAACCAGCTTGCTGTCCCGCCCAGCCACC[T>C]ACCAGTTGTGCGTCCAGAGGCATAGAGAGACAGCACCGCCTGGATAGCCACATACATGGC-3'

ClinVar aggregate classification (germline): Uncertain significance (1 of 4 stars; one submission).

Conditions:
Aortic aneurysm, familial thoracic 6 (AAT6). Also called: FAMILIAL THORACIC AORTIC ANEURYSM WITH LIVEDO RETICULARIS AND IRIS FLOCCULI. Identifiers: MedGen C2673186, MONDO:0012730, OMIM 611788.

Submission:

Labcorp Genetics (formerly Invitae), Labcorp
Classification: Uncertain significance for Aortic aneurysm, familial thoracic 6. Last evaluated: 2023-07-24. Review status: criteria provided, single submitter. Criteria: Invitae Variant Classification Sherloc (09022015). Collection method: clinical testing. Allele origin: germline.
Comment: This variant has been observed in individual(s) with aortic aneurysm (Invitae). This variant is not present in population databases (gnomAD no frequency). This sequence change falls in intron 5 of the ACTA2 gene. It does not directly change the encoded amino acid sequence of the ACTA2 protein. It affects a nucleotide within the consensus splice site. Variants that disrupt the consensus splice site are a relatively common cause of aberrant splicing (PMID: 17576681, 9536098). Algorithms developed to predict the effect of sequence changes on RNA splicing suggest that this variant may disrupt the consensus splice site. In summary, the available evidence is currently insufficient to determine the role of this variant in disease. Therefore, it has been classified as a Variant of Uncertain Significance.

Literature cited by the submitters: PubMed 17576681; PubMed 9536098.